The following is an entry in ClinVar:

NM_015978.3(TNNI3K):c.197del (p.Asn66fs)

Genes: FPGT-TNNI3K (FPGT-TNNI3K readthrough; plus strand), TNNI3K (TNNI3 interacting kinase; plus strand). Cytogenetic location: 1p31.1.
Variant type: Deletion.
Coding change: c.197del on transcript NM_015978.3 (MANE Select); coding-DNA position 197, one base deleted (A; older notation c.197delA).
Protein change: p.Asn66fs; shifts the reading frame from asparagine 66.
Molecular consequence: frameshift variant.
Genome position (GRCh38, 1-based): chr1:74,249,506, A deleted; the last of 4 consecutive A bases (chr1:74,249,503-74,249,506); deleting any one gives the same sequence. VCF-style (leftmost placement, unchanged base first): chr1-74249502-GA-G. GRCh37 (hg19) VCF-style: chr1-74715186-GA-G.
Other names: c.500del, p.Asn167fs (NM_001112808.3, NM_001199327.2); short protein forms N167fs, N66fs.
Identifiers: ClinVar variation 3373520 (VCV003373520.1).

ClinVar aggregate classification (germline): Uncertain significance (1 of 4 stars; one submission).

Submission:

GeneDx
Classification: Uncertain significance. Last evaluated: 2024-03-07. Review status: criteria provided, single submitter. Criteria: GeneDx Variant Classification Process June 2021. Collection method: clinical testing. Allele origin: germline. Affected: yes.
Comment: Not observed at significant frequency in large population cohorts (gnomAD); Frameshift variant predicted to result in protein truncation or nonsense mediated decay in a gene or region of a gene for which loss of function is not a well-established mechanism of disease; Has not been previously published as pathogenic or benign to our knowledge